The following is an entry in ClinVar:

GRCh38/hg38 7q36.2-36.3(chr7:154446117-159206757)x1

Genes: BLACE (B cell acute lymphoblastic leukemia expressed; minus strand), CNPY1 (canopy FGF signaling regulator 1; minus strand), DNAJB6 (DnaJ heat shock protein family (Hsp40) member B6; plus strand), DPP6 (dipeptidyl peptidase like 6; plus strand), DYNC2I1 (dynein 2 intermediate chain 1; plus strand) and 190 more. Cytogenetic location: 7q36.2-36.3.
Variant type: copy number loss.
Change: copy number 1 (one copy instead of two) of chr7:154,446,117-159,206,757 (4.76 Mb, GRCh38 coordinates, 1-based), cytogenetic band 7q36.2-36.3.
Identifiers: ClinVar variation 2579275 (VCV002579275.1).

ClinVar aggregate classification (germline): Pathogenic (1 of 4 stars; one submission).

Conditions:
Holoprosencephaly 3 (HPE3). Identifiers: Orphanet 2162, MedGen C1840529, MONDO:0007733, OMIM 142945.

Submission:

Broad Center for Mendelian Genomics, Broad Institute of MIT and Harvard
Classification: Pathogenic for Holoprosencephaly 3. Last evaluated: 2023-08-24. Review status: criteria provided, single submitter. Criteria: ACMG/ClinGen CNV Guidelines, 2019. Collection method: research. Allele origin: de novo. Inheritance: Autosomal dominant inheritance. Affected: yes.
Comment: The presence of this deletion was validated by FISH. The breakpoints have been estimated by exome sequencing only and therefore may not reflect the true breakpoints. The patient phenotype is nonspecific, but is consistent with cases described in the literature and/or published databases with overlapping variants. There is complete overlap with the SHH and MNX1 genes which are known to be haploinsufficient and have been assessed by the ClinGen Dosage Sensitivity Working Group. In summary, the 7q36.2-q36.3 deletion meets criteria to be classified as pathogenic. The ACMG/ClinGen evidence codes and points used in this curation are as follows: 1: 0 points, 2: 1.00 points, 3: 0 points, 4-5: 0.15 points; Total: 1.15 points; Riggs 2020 (PMID: 31690835)